The following is an entry in ClinVar:

ClinVar aggregate classification (germline): Uncertain significance (1 of 4 stars; one submission).

Conditions:
Dilated cardiomyopathy 1G (CMD1G). Identifiers: Orphanet 154, MedGen C1858763, MONDO:0011400, OMIM 604145.
Autosomal recessive limb-girdle muscular dystrophy type 2J (LGMDR10). Also called: Limb-girdle muscular dystrophy, type 2J; MUSCULAR DYSTROPHY, LIMB-GIRDLE, AUTOSOMAL RECESSIVE 10. Identifiers: Orphanet 140922, MedGen C1837342, MONDO:0012127, OMIM 608807.

Allele frequency attached by ClinVar (database versions not stated): TOPMed below 0.00001.

Submission:

Labcorp Genetics (formerly Invitae), Labcorp
Classification: Uncertain significance for Dilated cardiomyopathy 1G; Autosomal recessive limb-girdle muscular dystrophy type 2J. Last evaluated: 2021-11-10. Review status: criteria provided, single submitter. Criteria: Invitae Variant Classification Sherloc (09022015). Collection method: clinical testing. Allele origin: germline.
Comment: This sequence change replaces asparagine, which is neutral and polar, with histidine, which is basic and polar, at codon 34029 of the TTN protein (p.Asn34029His). This variant is not present in population databases (gnomAD no frequency). This variant has not been reported in the literature in individuals affected with TTN-related conditions. ClinVar contains an entry for this variant (Variation ID: 1004450). Experimental studies and prediction algorithms are not available or were not evaluated, and the functional significance of this variant is currently unknown. This variant is located in the M band of TTN (PMID: 25589632). Variants in this region may be relevant for neuromuscular disorders, but have not been definitively shown to cause cardiomyopathy (PMID: 23975875). In summary, the available evidence is currently insufficient to determine the role of this variant in disease. Therefore, it has been classified as a Variant of Uncertain Significance.

Literature cited by the submitters: PubMed 25589632; PubMed 23975875.

NM_001267550.2(TTN):c.102085A>C (p.Asn34029His)

Genes: TTN (titin; minus strand), TTN-AS1 (TTN antisense RNA 1; plus strand). Cytogenetic location: 2q31.2.
Variant type: single nucleotide variant.
Coding change: c.102085A>C on transcript NM_001267550.2 (MANE Select); coding-DNA position 102085, A replaced by C.
Protein change: p.Asn34029His; replaces asparagine 34029 with histidine.
Molecular consequence: missense variant.
Genome position (GRCh38, 1-based): chr2:178,534,530, T>G on the plus strand (A>C on the coding strand, the complement: TTN is on the minus strand). VCF-style: chr2-178534530-T-G. GRCh37 (hg19) VCF-style: chr2-179399257-T-G.
Other names: c.97162A>C, p.Asn32388His (NM_001256850.1); c.74890A>C, p.Asn24964His (NM_003319.4); c.94381A>C, p.Asn31461His (NM_133378.4); c.75265A>C, p.Asn25089His (NM_133432.3); c.75466A>C, p.Asn25156His (NM_133437.4); short protein forms N24964H, N25089H, N25156H, N31461H, N32388H, N34029H.
Identifiers: ClinVar variation 1004450 (VCV001004450.7), dbSNP rs1690593497, ClinGen allele CA349418401.